The following is an entry in ClinVar:

ClinVar aggregate classification (germline): Pathogenic/Likely pathogenic. Review status: criteria provided, multiple submitters, no conflicts (2 of 4 stars). 10 submissions from 10 submitters: Pathogenic (9); Likely pathogenic (1). Last evaluated 2026-05-07.

Conditions:
NF1-related disorder. Also called: NF1-related condition. Identifiers: MedGen CN379171.
Neurofibromatosis, type 1 (NF1). Also called: Neurofibromatosis, type I; VON RECKLINGHAUSEN DISEASE; NEUROFIBROMATOSIS, TYPE I, SOMATIC; Peripheral type neurofibromatosis. Identifiers: Orphanet 636, MedGen C0027831, MONDO:0018975, OMIM 162200. Disease mechanism: loss of function.
Hereditary cancer-predisposing syndrome. Also called: Tumor predisposition; Hereditary Cancer Syndrome; Hereditary neoplastic syndrome; Neoplastic Syndromes, Hereditary. Identifiers: Orphanet 140162, MedGen C0027672, MeSH D009386, MONDO:0015356.
Cardiovascular phenotype. Identifiers: MedGen CN230736.

Allele frequency attached by ClinVar (database versions not stated): gnomAD exomes below 0.00001.
gnomAD v4.1: 2 of 1,596,204 alleles (0.00013%); highest among the groups gnomAD compares: Non-Finnish European, 0.000086%; no homozygotes.

Submissions (10):

PreventionGenetics, part of Exact Sciences
Classification: Pathogenic for NF1-related condition. Last evaluated: 2026-05-07. Review status: criteria provided, single submitter. Criteria: ACMG Guidelines, 2015. Collection method: clinical testing. Allele origin: germline.
Comment: The NF1 c.288+1G>T variant is predicted to disrupt the GT donor site and interfere with normal splicing. This variant, also known as IVS3+1G>T, was reported in individuals with neurofibromatosis type 1 (NF1) (Table S1, Zhang et al. 2015. PubMed ID: 26056819; Lin et al. 2003. PubMed ID: 14513407; Crona et al. 2015. PubMed ID: 26230854). Splicing studies found this variant results in an in-frame skipping of exon 3 (Table S1, Zhang et al. 2015. PubMed ID: 26056819; Lin et al. 2003. PubMed ID: 14513407). Additionally, a different substitution affecting this nucleotide (c.288+1G>A) has been reported in individuals with clinical features of NF1 (Pillai et al. 2016. PubMed ID: 27986441). This variant has not been reported in a large population database, indicating this variant is rare and it is classified as pathogenic in ClinVar (Variation ID: 571198). Variants that disrupt the consensus splice donor site in NF1 are expected to be pathogenic. This variant is interpreted as pathogenic.

Labcorp Genetics (formerly Invitae), Labcorp
Classification: Pathogenic for Neurofibromatosis, type 1. Last evaluated: 2026-01-28. Review status: criteria provided, single submitter. Criteria: Invitae Variant Classification Sherloc (09022015). Collection method: clinical testing. Allele origin: germline.
Comment: This sequence change affects a donor splice site in intron 3 of the NF1 gene. RNA analysis indicates that disruption of this splice site induces altered splicing and likely results in a shortened protein product. This variant is not present in population databases (gnomAD no frequency). Disruption of this splice site has been observed in individuals with neurofibromatosis type 1 (PMID: 10633134, 14513407, 26056819, 26230854, 27986441). Invitae Evidence Modeling of clinical and family history, age, sex, and reported ancestry of multiple individuals with this NF1 variant has been performed. This variant is expected to be pathogenic with a positive predictive value of at least 99%. This is a validated machine learning model that incorporates the clinical features of 1,785,918 individuals referred to our laboratory for NF1 testing. This variant is also known as IVS3+1G and IVS4+1G. ClinVar contains an entry for this variant (Variation ID: 571198). Studies have shown that disruption of this splice site results in skipping of exon 3, but is expected to preserve the integrity of the reading-frame (PMID: 14513407). For these reasons, this variant has been classified as Pathogenic.

Dasa
Classification: Likely pathogenic. Last evaluated: 2025-12-30. Review status: criteria provided, single submitter. Criteria: DASA Assertion Criteria. Collection method: clinical testing. Allele origin: germline.
Comment: NM_001042492.3(NF1):c.288+1G>T affects a canonical splice site and is predicted to disrupt normal RNA splicing. Loss of function is an established disease mechanism for NF1 (PMID: 1757093; PMID: 1302608; PMID: 34427956). This variant has been reported in individuals with NF1-related disorders. Also, this variant is absent from population databases. Based on the currently available evidence, this variant is classified as likely pathogenic.

3billion
Classification: Pathogenic for Neurofibromatosis, type 1. Last evaluated: 2025-11-28. Review status: criteria provided, single submitter. Criteria: ACMG Guidelines, 2015. Collection method: clinical testing. Allele origin: germline. Affected: yes.
Comment: The variant is observed at an extremely low frequency in the gnomAD v4.1.0 dataset (total allele frequency: <0.001%). Predicted Consequence/Location: Canonical splice site: predicted to alter splicing and result in a loss or disruption of normal protein function. Multiple pathogenic loss-of-function variants are reported downstream of the variant. The variant has been reported at least twice as pathogenic with clinical assertions and evidence for the classification (ClinVar ID: VCV000571198 /PMID: 14513407). Therefore, this variant is classified as Pathogenic according to the recommendation of ACMG/AMP guideline.

CeGaT Center for Human Genetics Tuebingen
Classification: Pathogenic. Last evaluated: 2025-06-01. Review status: criteria provided, single submitter. Criteria: CeGaT Center For Human Genetics Tuebingen Variant Classification Criteria Version 2. Collection method: clinical testing. Allele origin: germline. Affected: yes. Observed: 1 variant allele.
Comment: NF1: PS4, PVS1:Strong, PM2

GeneDx
Classification: Pathogenic. Last evaluated: 2022-07-25. Review status: criteria provided, single submitter. Criteria: GeneDx Variant Classification Process June 2021. Collection method: clinical testing. Allele origin: germline. Affected: yes.
Comment: Canonical splice site variant demonstrated to result in aberrant splicing causing in-frame loss of exon 3 (Zhang et al., 2015); Deletions involving coding exons of this gene are a known mechanism of disease (HGMD); Not observed in large population cohorts (gnomAD); This variant is associated with the following publications: (PMID: 27986441, 25525159, 14513407, 26230854, 20605257, 30290804, 23913538, 10712197, 10633134, 26056819)

Blueprint Genetics
Classification: Pathogenic for NF1-related disorders. Last evaluated: 2022-06-17. Review status: criteria provided, single submitter. Criteria: ACMG Guidelines, 2015. Collection method: clinical testing. Allele origin: germline. Affected: yes. Observed: 2 variant alleles.

Genome-Nilou Lab
Classification: Pathogenic for Neurofibromatosis, type 1. Last evaluated: 2022-03-15. Review status: criteria provided, single submitter. Criteria: ACMG Guidelines, 2015. Collection method: clinical testing. Allele origin: germline. Affected: no.

Ambry Genetics
Classification: Pathogenic for Cardiovascular phenotype; Hereditary cancer-predisposing syndrome. Last evaluated: 2021-06-16. Review status: criteria provided, single submitter. Criteria: Ambry Variant Classification Scheme 2023. Collection method: clinical testing. Allele origin: germline.
Comment: The c.288+1G>T intronic pathogenic mutation results from a G to T substitution one nucleotide after coding exon 3 of the NF1 gene. In silico splice site analysis predicts that this alteration will weaken the native splice donor site. The resulting transcript is predicted to be in-frame and is not expected to trigger nonsense-mediated mRNA decay. The exact functional effect of the altered amino acid sequence is unknown; however, the impacted region is critical for protein function (Ambry internal data). This mutation has been reported in multiple individuals meeting diagnostic criteria for neurofibromatosis type 1 (Pillai S et al. Exp Mol Pathol 2017 02;102(1):41-46; Liu MT et al. J Hum Genet 2003 Sep;48(10):545-549; Sabbagh A et al. Hum Mutat 2013 Nov;34(11):1510-8; Zhang J et al. Sci Rep 2015 Jun;5:11291; Crona J et al. PLoS One 2015 Jul;10(7):e0133210). Addiitonally, RT-PCR analysis has shown that this alteration causes skipping of coding exon 3 (Liu et al.). Of note, this alteration is also designated as IVS3+1G>T and IVS4+1G>T in published literature. Alterations that disrupt the canonical splice site are expected to cause aberrant splicing, resulting in an abnormal protein or a transcript that is subject to nonsense-mediated mRNA decay. Based on the supporting evidence, this alteration is interpreted as a disease-causing mutation.

Department of Molecular Diagnostics, Institute of Oncology Ljubljana
Classification: Pathogenic for Neurofibromatosis, type 1. Last evaluated: 2020-04-02. Review status: criteria provided, single submitter. Criteria: ACMG Guidelines, 2015. Collection method: clinical testing. Allele origin: germline. Affected: yes.

Literature cited by the submitters: PubMed 10633134 (cited by Labcorp Genetics (formerly Invitae), Labcorp); PubMed 14513407 (cited by 3 submitters); PubMed 26056819 (cited by Labcorp Genetics (formerly Invitae), Labcorp and Dasa); PubMed 26230854 (cited by Labcorp Genetics (formerly Invitae), Labcorp and Dasa); PubMed 27986441 (cited by Labcorp Genetics (formerly Invitae), Labcorp); PubMed 29415745 (cited by Dasa); PubMed 30290804 (cited by Dasa); PubMed 1757093 (cited by Dasa); PubMed 1302608 (cited by Dasa); PubMed 34427956 (cited by Dasa).

NM_001042492.3(NF1):c.288+1G>T

Gene: NF1 (neurofibromin 1; plus strand). Cytogenetic location: 17q11.2.
Variant type: single nucleotide variant.
Coding change: c.288+1G>T on transcript NM_001042492.3 (MANE Select); the canonical splice donor site of the intron after coding-DNA position 288, G replaced by T.
Molecular consequence: splice donor variant.
Genome position (GRCh38, 1-based): chr17:31,159,094, G>T. VCF-style: chr17-31159094-G-T. GRCh37 (hg19) VCF-style: chr17-29486112-G-T.
Other names: c.288+1G>T (NM_000267.4, NM_001128147.3, NM_001042492.2).
Identifiers: ClinVar variation 571198 (VCV000571198.29), dbSNP rs1567816131, ClinGen allele CA398989904.